The following is an entry in ClinVar:

ClinVar aggregate classification (germline): Uncertain significance (1 of 4 stars; one submission).

Submission:

Ambry Genetics
Classification: Uncertain significance. Last evaluated: 2025-08-07. Review status: criteria provided, single submitter. Criteria: Ambry Variant Classification Scheme 2023. Collection method: clinical testing. Allele origin: germline.
Comment: The p.G481R variant (also known as c.1441G>A), located in coding exon 8 of the GALNT12 gene, results from a G to A substitution at nucleotide position 1441. The glycine at codon 481 is replaced by arginine, an amino acid with dissimilar properties. This amino acid position is conserved. In addition, the in silico prediction for this alteration is inconclusive. Based on the available evidence, the clinical significance of this variant remains unclear.

NM_024642.5(GALNT12):c.1441G>A (p.Gly481Arg)

Gene: GALNT12 (polypeptide N-acetylgalactosaminyltransferase 12; plus strand). Cytogenetic location: 9q22.33.
Variant type: single nucleotide variant.
Coding change: c.1441G>A on transcript NM_024642.5 (MANE Select); coding-DNA position 1441, G replaced by A.
Protein change: p.Gly481Arg; replaces glycine 481 with arginine.
Molecular consequence: missense variant.
Genome position (GRCh38, 1-based): chr9:98,844,192, G>A. VCF-style: chr9-98844192-G-A. GRCh37 (hg19) VCF-style: chr9-101606474-G-A.
Other names: short protein forms G481R.
Identifiers: ClinVar variation 4261471 (VCV004261471.1).
Genomic context (GRCh38, chr9:98,844,192, plus strand): 5'-TATAACCCTCCCGATGAAAACCAGATTGTGGGACACCAGGTCATTCTGTACCTCTGTCAT[G>A]GGATGGGCCAGAATCAGGTAGGTATGAGCCTCAAAAGAGGAGAAAGCTGTGTGTTTTGTT-3'
Protein context (NP_078918.3, residues 471-491): GHQVILYLCH[Gly481Arg]MGQNQFFEYT